The following is an entry in ClinVar:

NM_152564.5(VPS13B):c.2714A>G (p.His905Arg)

Gene: VPS13B (vacuolar protein sorting 13 homolog B; plus strand). Cytogenetic location: 8q22.2.
Variant type: single nucleotide variant.
Coding change: c.2714A>G on transcript NM_152564.5 (MANE Select); coding-DNA position 2714, A replaced by G.
Protein change: p.His905Arg; replaces histidine 905 with arginine.
Molecular consequence: missense variant.
Genome position (GRCh38, 1-based): chr8:99,275,144, A>G. VCF-style: chr8-99275144-A-G. GRCh37 (hg19) VCF-style: chr8-100287372-A-G.
Other names: c.2714A>G, p.His905Arg (NM_017890.5); short protein forms H905R.
Identifiers: ClinVar variation 3372237 (VCV003372237.2).

ClinVar aggregate classification (germline): Uncertain significance. Review status: criteria provided, multiple submitters, no conflicts (2 of 4 stars). 2 submissions from 2 submitters: Uncertain significance (2). Last evaluated 2024-04-12.

gnomAD v4.1: 6 of 1,612,794 alleles (0.00037%); highest among the groups gnomAD compares: African/African-American, 0.004%; no homozygotes.

Submissions (2):

GeneDx
Classification: Uncertain significance. Last evaluated: 2024-04-12. Review status: criteria provided, single submitter. Criteria: GeneDx Variant Classification Process June 2021. Collection method: clinical testing. Allele origin: germline. Affected: yes.
Comment: Not observed at significant frequency in large population cohorts (gnomAD); In silico analysis supports that this missense variant has a deleterious effect on protein structure/function; Has not been previously published as pathogenic or benign to our knowledge

Blueprint Genetics
Classification: Uncertain significance. Last evaluated: 2017-12-28. Review status: criteria provided, single submitter. Criteria: ACMG Guidelines, 2015. Collection method: clinical testing. Allele origin: germline.